The following is an entry in ClinVar:

ClinVar aggregate classification (germline): Uncertain significance (1 of 4 stars; one submission).

Conditions:
Kabuki syndrome. Also called: NIIKAWA-KUROKI SYNDROME; Kabuki make-up syndrome. Identifiers: Orphanet 2322, MedGen C0796004, MONDO:0016512.

Submission:

Labcorp Genetics (formerly Invitae), Labcorp
Classification: Uncertain significance for Kabuki syndrome. Last evaluated: 2021-02-17. Review status: criteria provided, single submitter. Criteria: Invitae Variant Classification Sherloc (09022015). Collection method: clinical testing. Allele origin: germline.
Comment: This variant, c.12686_12691dup, results in the insertion of 2 amino acid(s) to the KMT2D protein (p.Arg4229_Gln4230dup), but otherwise preserves the integrity of the reading frame. This variant is not present in population databases (ExAC no frequency). This variant has not been reported in the literature in individuals with KMT2D-related conditions. Experimental studies and prediction algorithms are not available or were not evaluated, and the functional significance of this variant is currently unknown. In summary, the available evidence is currently insufficient to determine the role of this variant in disease. Therefore, it has been classified as a Variant of Uncertain Significance.

NM_003482.4(KMT2D):c.12686_12691dup (p.Arg4229_Gln4230dup)

Gene: KMT2D (lysine methyltransferase 2D; minus strand). Cytogenetic location: 12q13.12.
Variant type: Duplication.
Coding change: c.12686_12691dup on transcript NM_003482.4 (MANE Select); coding-DNA positions 12686 to 12691, 6 bases duplicated (GGCAGC; older notation c.12686_12691dupGGCAGC).
Protein change: p.Arg4229_Gln4230dup.
Molecular consequence: inframe insertion.
Genome position (GRCh38, 1-based): chr12:49,032,014-49,032,019, GCTGCC duplicated on the plus strand (GGCAGC on the coding strand, the reverse complement: KMT2D is on the minus strand); duplicating any 6 consecutive bases within chr12:49,032,014-49,032,024 gives the same sequence; the c. name uses the placement nearest the transcript's 3' end. VCF-style (leftmost placement, unchanged base first): chr12-49032013-A-AGCTGCC. GRCh37 (hg19) VCF-style: chr12-49425796-A-AGCTGCC.
Identifiers: ClinVar variation 1511320 (VCV001511320.8), dbSNP rs2120427298, ClinGen allele CA2573148698.